The following is an entry in ClinVar:

ClinVar aggregate classification (germline): Uncertain significance (1 of 4 stars; one submission).

Conditions:
GRIN2B-related disorder. Also called: GRIN2B-related condition.

Submission:

PreventionGenetics, part of Exact Sciences
Classification: Uncertain significance for GRIN2B-related condition. Last evaluated: 2022-10-07. Review status: criteria provided, single submitter. Criteria: ACMG Guidelines, 2015. Collection method: clinical testing. Allele origin: germline.
Comment: The GRIN2B c.2530T>A variant is predicted to result in the amino acid substitution p.Trp844Arg. To our knowledge, this variant has not been reported in the literature or in a large population database, indicating this variant is rare. At this time, the clinical significance of this variant is uncertain due to the absence of conclusive functional and genetic evidence.

NM_000834.5(GRIN2B):c.2530T>A (p.Trp844Arg)

Gene: GRIN2B (glutamate ionotropic receptor NMDA type subunit 2B; minus strand). Cytogenetic location: 12p13.1.
Variant type: single nucleotide variant.
Coding change: c.2530T>A on transcript NM_000834.5 (MANE Select); coding-DNA position 2530, T replaced by A.
Protein change: p.Trp844Arg; replaces tryptophan 844 with arginine.
Molecular consequence: missense variant.
Genome position (GRCh38, 1-based): chr12:13,567,093, A>T on the plus strand (T>A on the coding strand, the complement: GRIN2B is on the minus strand). VCF-style: chr12-13567093-A-T. GRCh37 (hg19) VCF-style: chr12-13720027-A-T.
Other names: c.2530T>A, p.Trp844Arg (NM_001413992.1); short protein forms W844R.
Identifiers: ClinVar variation 2637183 (VCV002637183.1), dbSNP rs138088984, ClinGen allele CA383996128.